The following is an entry in ClinVar:

NM_004168.4(SDHA):c.1909-9C>T

Gene: SDHA (succinate dehydrogenase complex flavoprotein subunit A; plus strand). Cytogenetic location: 5p15.33.
Variant type: single nucleotide variant.
Coding change: c.1909-9C>T on transcript NM_004168.4 (MANE Select); 9 bases into the intron before coding-DNA position 1909, C replaced by T.
Molecular consequence: intron variant.
Genome position (GRCh38, 1-based): chr5:256,325, C>T. VCF-style: chr5-256325-C-T. GRCh37 (hg19) VCF-style: chr5-256440-C-T.
Other names: c.1666-9C>T (NM_001330758.2); c.1765-9C>T (NM_001294332.2).
Identifiers: ClinVar variation 1115353 (VCV001115353.14), dbSNP rs2126645687, ClinGen allele CA2499217829.

ClinVar aggregate classification (germline): Likely benign. Review status: criteria provided, multiple submitters, no conflicts (2 of 4 stars). 2 submissions from 2 submitters: Likely benign (2). Last evaluated 2025-03-11.

Conditions:
Pheochromocytoma/paraganglioma syndrome 5. Also called: Paragangliomas 5; SDHA-Related Hereditary Paraganglioma-Pheochromocytoma Syndrome. Identifiers: Orphanet 29072, MedGen C3279992, MONDO:0013602, OMIM 614165.
Mitochondrial complex II deficiency, nuclear type 1. Also called: SUCCINATE CoQ REDUCTASE DEFICIENCY. Identifiers: Orphanet 3208, MedGen C5700310, MONDO:0100294, OMIM 252011.

Submissions (2):

Myriad Genetics, Inc.
Classification: Likely benign for Pheochromocytoma/paraganglioma syndrome 5. Last evaluated: 2025-03-11. Review status: criteria provided, single submitter. Criteria: Myriad Autosomal Dominant, Autosomal Recessive and X-Linked Classification Criteria (2023). Collection method: clinical testing. Allele origin: unknown.
Comment: This variant is considered likely benign. This variant is intronic and is not expected to impact mRNA splicing.

Labcorp Genetics (formerly Invitae), Labcorp
Classification: Likely benign for Pheochromocytoma/paraganglioma syndrome 5; Mitochondrial complex II deficiency, nuclear type 1. Last evaluated: 2022-12-06. Review status: criteria provided, single submitter. Criteria: Invitae Variant Classification Sherloc (09022015). Collection method: clinical testing. Allele origin: germline.